The following is an entry in ClinVar:

NM_003073.5(SMARCB1):c.914G>A (p.Gly305Glu)

Gene: SMARCB1 (SWI/SNF related BAF chromatin remodeling complex subunit B1; plus strand). Cytogenetic location: 22q11.23.
Variant type: single nucleotide variant.
Coding change: c.914G>A on transcript NM_003073.5 (MANE Select); coding-DNA position 914, G replaced by A.
Protein change: p.Gly305Glu; replaces glycine 305 with glutamic acid.
Molecular consequence: missense variant.
Genome position (GRCh38, 1-based): chr22:23,825,343, G>A. VCF-style: chr22-23825343-G-A. GRCh37 (hg19) VCF-style: chr22-24167530-G-A.
Other names: c.887G>A, p.Gly296Glu (NM_001007468.3); c.941G>A, p.Gly314Glu (NM_001317946.2); c.968G>A, p.Gly323Glu (NM_001362877.2); short protein forms G323E, G296E, G314E, G305E.
Identifiers: ClinVar variation 2862744 (VCV002862744.3), dbSNP rs2146027010, ClinGen allele CA410907524.

ClinVar aggregate classification (germline): Uncertain significance (1 of 4 stars; one submission).

Submission:

Labcorp Genetics (formerly Invitae), Labcorp
Classification: Uncertain significance. Last evaluated: 2023-05-15. Review status: criteria provided, single submitter. Criteria: Invitae Variant Classification Sherloc (09022015). Collection method: clinical testing. Allele origin: germline.
Comment: This variant is not present in population databases (gnomAD no frequency). This sequence change replaces glycine, which is neutral and non-polar, with glutamic acid, which is acidic and polar, at codon 305 of the SMARCB1 protein (p.Gly305Glu). In summary, the available evidence is currently insufficient to determine the role of this variant in disease. Therefore, it has been classified as a Variant of Uncertain Significance. Advanced modeling of protein sequence and biophysical properties (such as structural, functional, and spatial information, amino acid conservation, physicochemical variation, residue mobility, and thermodynamic stability) performed at Invitae indicates that this missense variant is expected to disrupt SMARCB1 protein function. This variant has not been reported in the literature in individuals affected with SMARCB1-related conditions.